The following is an entry in ClinVar:

NM_004393.6(DAG1):c.2039G>A (p.Arg680Gln)

Gene: DAG1 (dystroglycan 1; plus strand). Cytogenetic location: 3p21.31.
Variant type: single nucleotide variant.
Coding change: c.2039G>A on transcript NM_004393.6 (MANE Select); coding-DNA position 2039, G replaced by A.
Protein change: p.Arg680Gln; replaces arginine 680 with glutamine.
Molecular consequence: missense variant.
Genome position (GRCh38, 1-based): chr3:49,532,550, G>A. VCF-style: chr3-49532550-G-A. GRCh37 (hg19) VCF-style: chr3-49569983-G-A.
Other names: c.2039G>A, p.Arg680Gln (NM_001165928.4, NM_001177634.3, NM_001177635.3 and 9 more transcripts); short protein forms R680Q.
Identifiers: ClinVar variation 290088 (VCV000290088.13), dbSNP rs376931365, ClinGen allele CA2399196.

ClinVar aggregate classification (germline): Uncertain significance. Review status: criteria provided, multiple submitters, no conflicts (2 of 4 stars). 5 submissions from 5 submitters: Uncertain significance (5). Last evaluated 2024-02-26.

Conditions:
Autosomal recessive limb-girdle muscular dystrophy type 2P. Also called: MUSCULAR DYSTROPHY-DYSTROGLYCANOPATHY, LIMB-GIRDLE, DAG1-RELATED; Limb-Girdle Muscular Dystrophy Type 9C; MUSCULAR DYSTROPHY, LIMB-GIRDLE, TYPE 2P. Identifiers: Orphanet 280333, MedGen C4511963, MONDO:0013440, OMIM 613818.
Muscular dystrophy-dystroglycanopathy (congenital with brain and eye anomalies), type A9. Also called: WALKER-WARBURG SYNDROME OR MUSCLE-EYE BRAIN DISEASE, DAG1-RELATED; Muscular dystrophy-dystroglycanopathy (congenital with brain and eye anomalies), type a, 9. Identifiers: Orphanet 370997, Orphanet 899, MedGen C4225291, MONDO:0014683, OMIM 616538.

Allele frequency attached by ClinVar (database versions not stated): gnomAD exomes 0.00003 and 0.00004; gnomAD 0.00003 and 0.00004; TOPMed 0.00003; ESP Exome Variant Server 0.00008; ExAC 0.00002.

Submissions (5):

Revvity Omics, Revvity
Classification: Uncertain significance. Last evaluated: 2024-02-26. Review status: criteria provided, single submitter. Criteria: ACMG Guidelines, 2015. Collection method: clinical testing. Allele origin: germline.

GeneDx
Classification: Uncertain significance. Last evaluated: 2023-09-10. Review status: criteria provided, single submitter. Criteria: GeneDx Variant Classification Process June 2021. Collection method: clinical testing. Allele origin: germline. Affected: yes.
Comment: Not observed at significant frequency in large population cohorts (gnomAD); In silico analysis supports that this missense variant does not alter protein structure/function; Has not been previously published as pathogenic or benign to our knowledge

Labcorp Genetics (formerly Invitae), Labcorp
Classification: Uncertain significance for Autosomal recessive limb-girdle muscular dystrophy type 2P; Muscular dystrophy-dystroglycanopathy (congenital with brain and eye anomalies), type A9. Last evaluated: 2022-10-04. Review status: criteria provided, single submitter. Criteria: Invitae Variant Classification Sherloc (09022015). Collection method: clinical testing. Allele origin: germline.
Comment: This sequence change replaces arginine, which is basic and polar, with glutamine, which is neutral and polar, at codon 680 of the DAG1 protein (p.Arg680Gln). This variant is present in population databases (rs376931365, gnomAD 0.005%). This variant has not been reported in the literature in individuals affected with DAG1-related conditions. ClinVar contains an entry for this variant (Variation ID: 290088). Advanced modeling of protein sequence and biophysical properties (such as structural, functional, and spatial information, amino acid conservation, physicochemical variation, residue mobility, and thermodynamic stability) performed at Invitae indicates that this missense variant is not expected to disrupt DAG1 protein function. In summary, the available evidence is currently insufficient to determine the role of this variant in disease. Therefore, it has been classified as a Variant of Uncertain Significance.

Baylor Genetics
Classification: Uncertain significance for Muscular dystrophy-dystroglycanopathy (congenital with brain and eye anomalies), type A9. Last evaluated: 2019-01-03. Review status: criteria provided, single submitter. Criteria: ACMG Guidelines, 2015. Collection method: clinical testing. Allele origin: unknown. Affected: yes.
Comment: This variant was determined to be of uncertain significance according to ACMG Guidelines, 2015 [PMID:25741868].

Eurofins Ntd Llc (ga)
Classification: Uncertain significance. Last evaluated: 2016-08-23. Review status: criteria provided, single submitter. Criteria: EGL Classification Definitions 2015. Collection method: clinical testing. Allele origin: germline. Observed: 1 variant allele, 1 heterozygote.